The following is an entry in ClinVar:

ClinVar aggregate classification (germline): Uncertain significance. Review status: criteria provided, multiple submitters, no conflicts (2 of 4 stars). 2 submissions from 2 submitters: Uncertain significance (2). Last evaluated 2025-05-07.

Conditions:
Inborn genetic diseases. Identifiers: MedGen C0950123, MeSH D030342.

gnomAD v4.1: 15 of 1,614,150 alleles (0.00093%); highest among the groups gnomAD compares: Admixed American, 0.0017%; no homozygotes.

Submissions (2):

Dasa
Classification: Uncertain significance. Last evaluated: 2025-05-07. Review status: criteria provided, single submitter. Criteria: DASA Assertion Criteria. Collection method: clinical testing. Allele origin: germline.
Comment: NM_000122.2(ERCC3):c.1001G>A (p.Arg334His) is a missense variant that results in the substitution of arginine with histidine. This variant is rare in population databases. Computational prediction algorithms are consistent with a benign effect. The currently available literature and clinical evidence are not sufficient to establish a definitive association between this variant and the reported condition. Therefore, this variant is classified as a variant of uncertain significance.

Ambry Genetics
Classification: Uncertain significance for Inborn genetic diseases. Last evaluated: 2024-09-11. Review status: criteria provided, single submitter. Criteria: Ambry Variant Classification Scheme 2023. Collection method: clinical testing. Allele origin: germline.

NM_000122.2(ERCC3):c.1001G>A (p.Arg334His)

Gene: ERCC3 (ERCC excision repair 3, TFIIH core complex helicase subunit; minus strand). Cytogenetic location: 2q14.3.
Variant type: single nucleotide variant.
Coding change: c.1001G>A on transcript NM_000122.2 (MANE Select); coding-DNA position 1001, G replaced by A.
Protein change: p.Arg334His; replaces arginine 334 with histidine.
Molecular consequence: missense variant.
Genome position (GRCh38, 1-based): chr2:127,288,686, C>T on the plus strand (G>A on the coding strand, the complement: ERCC3 is on the minus strand). VCF-style: chr2-127288686-C-T. GRCh37 (hg19) VCF-style: chr2-128046262-C-T.
Other names: c.809G>A, p.Arg270His (NM_001303416.2, NM_001303418.2); short protein forms R270H, R334H.
Identifiers: ClinVar variation 3509909 (VCV003509909.3).
Genomic context (GRCh38, chr2:127,288,686, plus strand): 5'-GCCTGACCACCTTCTTAACTCTGGTACCACTTACCGCAGGGAAGAACAATGACCCCCGAA[C>T]GTGCACGCCCGTTTCCAAACATCTTTCGCAAGCTCTTCTCCTGATAGGGTCTGAGGACAG-3'
Protein context (NP_000113.1, residues 324-344): LRKMFGNGRA[Arg334His]SGVIVLPCGA